The following is an entry in ClinVar:

ClinVar aggregate classification (germline): Pathogenic (1 of 4 stars; one submission).

Conditions:
Myoclonic dystonia 11 (DYT11). Also called: DYT-SGCE; Myoclonic dystonia; Dystonia 11; Dystonia, alcohol responsive; Hereditary essential myoclonus; SGCE Myoclonus-Dystonia. Identifiers: Orphanet 36899, MedGen C1834570, MONDO:0008044, OMIM 159900.

Submission:

Labcorp Genetics (formerly Invitae), Labcorp
Classification: Pathogenic for Myoclonic dystonia 11. Last evaluated: 2024-01-29. Review status: criteria provided, single submitter. Criteria: Invitae Variant Classification Sherloc (09022015). Collection method: clinical testing. Allele origin: germline.
Comment: This sequence change creates a premature translational stop signal (p.Thr119Asnfs*3) in the SGCE gene. It is expected to result in an absent or disrupted protein product. Loss-of-function variants in SGCE are known to be pathogenic (PMID: 12821748, 15389977, 17853490, 24297365). This variant is not present in population databases (gnomAD no frequency). This variant has not been reported in the literature in individuals affected with SGCE-related conditions. For these reasons, this variant has been classified as Pathogenic.

Literature cited by the submitters: PubMed 12821748; PubMed 15389977; PubMed 17853490; PubMed 24297365.

NM_003919.3(SGCE):c.353dup (p.Thr119fs)

Genes: CASD1 (CAS1 domain sialic acid O acetyltransferase 1; plus strand), SGCE (sarcoglycan epsilon; minus strand). Cytogenetic location: 7q21.3.
Variant type: Duplication.
Coding change: c.353dup on transcript NM_003919.3 (MANE Select); coding-DNA position 353, one base duplicated (C; older notation c.353dupC).
Protein change: p.Thr119fs; shifts the reading frame from threonine 119.
Molecular consequence: frameshift variant.
Genome position (GRCh38, 1-based): chr7:94,628,239, G duplicated on the plus strand (C on the coding strand, the reverse complement: SGCE is on the minus strand); the first of 4 consecutive G bases (chr7:94,628,239-94,628,242); duplicating any one gives the same sequence. VCF-style (leftmost placement, unchanged base first): chr7-94628238-T-TG. GRCh37 (hg19) VCF-style: chr7-94257550-T-TG.
Other names: c.353dup, p.Thr119fs (NM_001346717.2, NM_001099400.2, NM_001099401.2); c.266dup, p.Thr90fs (NM_001346719.2, NM_001362807.2); c.80dup, p.Thr28fs (NM_001346720.2, NM_001362808.2); c.230dup, p.Thr78fs (NM_001362809.2, NM_001301139.2); c.461dup, p.Thr155fs (NM_001346713.2, NM_001346715.2); short protein forms T155fs, T78fs, T119fs, T90fs, T28fs.
Identifiers: ClinVar variation 2714114 (VCV002714114.3), dbSNP rs2485168334, ClinGen allele CA2697557430.